The following is an entry in ClinVar:

NM_002485.5(NBN):c.523G>T (p.Glu175Ter)

Gene: NBN (nibrin; minus strand). Cytogenetic location: 8q21.3.
Variant type: single nucleotide variant.
Coding change: c.523G>T on transcript NM_002485.5 (MANE Select); coding-DNA position 523, G replaced by T.
Protein change: p.Glu175Ter; replaces glutamic acid 175 with a stop codon.
Molecular consequence: nonsense.
Genome position (GRCh38, 1-based): chr8:89,978,281, C>A on the plus strand (G>T on the coding strand, the complement: NBN is on the minus strand). VCF-style: chr8-89978281-C-A. GRCh37 (hg19) VCF-style: chr8-90990509-C-A.
Other names: c.277G>T, p.Glu93Ter (NM_001024688.3); short protein forms E175*, E93*.
Identifiers: ClinVar variation 1746295 (VCV001746295.2), dbSNP rs730881861, ClinGen allele CA371660343.

ClinVar aggregate classification (germline): Pathogenic (1 of 4 stars; one submission).

Conditions:
Hereditary cancer-predisposing syndrome. Also called: Hereditary Cancer Syndrome; Neoplastic Syndromes, Hereditary; Tumor predisposition; Hereditary neoplastic syndrome. Identifiers: Orphanet 140162, MedGen C0027672, MeSH D009386, MONDO:0015356.

Submission:

Ambry Genetics
Classification: Pathogenic for Hereditary cancer-predisposing syndrome. Last evaluated: 2021-08-03. Review status: criteria provided, single submitter. Criteria: Ambry Variant Classification Scheme 2023. Collection method: clinical testing. Allele origin: germline.
Comment: The p.E175* pathogenic mutation (also known as c.523G>T), located in coding exon 5 of the NBN gene, results from a G to T substitution at nucleotide position 523. This changes the amino acid from a glutamic acid to a stop codon within coding exon 5. This variant is considered to be rare based on population cohorts in the Genome Aggregation Database (gnomAD). This alteration is expected to result in loss of function by premature protein truncation or nonsense-mediated mRNA decay. As such, this alteration is interpreted as a disease-causing mutation.